The following is an entry in ClinVar:

NM_003072.5(SMARCA4):c.2644G>A (p.Glu882Lys)

Gene: SMARCA4 (SWI/SNF related BAF chromatin remodeling complex subunit ATPase 4; plus strand). Cytogenetic location: 19p13.2.
Variant type: single nucleotide variant.
Coding change: c.2644G>A on transcript NM_003072.5 (MANE Select); coding-DNA position 2644, G replaced by A.
Protein change: p.Glu882Lys; replaces glutamic acid 882 with lysine.
Molecular consequence: missense variant. On other transcripts: non-coding transcript variant (1).
Genome position (GRCh38, 1-based): chr19:11,021,752, G>A. VCF-style: chr19-11021752-G-A. GRCh37 (hg19) VCF-style: chr19-11132428-G-A.
Other names: c.2644G>A, p.Glu882Lys (NM_001128844.3, NM_001128845.2, NM_001128846.2 and 6 more transcripts); short protein forms E882K.
Identifiers: ClinVar variation 4530268 (VCV004530268.1).

ClinVar aggregate classification (somatic clinical impact): Tier I - Strong (1 of 4 stars; one submission).

Conditions:
Medulloblastoma non-WNT/non-SHH group 3. Identifiers: MedGen C4330665, MONDO:0956966.

Submission:

Institute for Genomic Medicine (IGM) Clinical Laboratory, Nationwide Children's Hospital
Classification: Tier I - Strong for Medulloblastoma non-WNT/non-SHH group 3. Assertion type: diagnostic. Clinical significance: supports diagnosis. Last evaluated: 2023-04-06. Review status: criteria provided, single submitter. Criteria: AMP/ASCO/CAP Guidelines, 2017. Collection method: clinical testing. Allele origin: somatic. Affected: yes.
Comment: Variant has Tier I (strong) clinical significance as a diagnostic inclusion criterion in medulloblastoma non-WNT/non-SHH group 3, based on the following evidence: 1) Documented in one or more cancer databases (e.g., St. Jude Pecan, COSMIC, CIViC, OncoKB). 2) Appears in one or more well-established professional guidelines (e.g., World Health Organization [WHO]; National Comprehensive Cancer Network [NCCN]) as providing diagnostic, prognostic, or therapeutic information. 3) Information in the literature supports potential biologic effect of variant (PMIDs: 33144586, 29323272). 4) Diagnostic for a specific tumor type/classification based on well-powered studies with expert-level consensus (Evidence Level B; PMIDs: 21163964, 28726821, 22820256, 22832583, 22722829, 23432644).

Literature cited by the submitters: PubMed 33144586; PubMed 29323272; PubMed 21163964; PubMed 28726821; PubMed 22820256; PubMed 22832583; PubMed 22722829; PubMed 23432644.